The following is an entry in ClinVar:

ClinVar aggregate classification (germline): Uncertain significance. Review status: criteria provided, multiple submitters, no conflicts (2 of 4 stars). 2 submissions from 2 submitters: Uncertain significance (2). Last evaluated 2025-10-07.

gnomAD v4.1: 5 of 1,612,566 alleles (0.00031%); highest among the groups gnomAD compares: Admixed American, 0.0083%; no homozygotes.

Submissions (2):

Ambry Genetics
Classification: Uncertain significance. Last evaluated: 2025-10-07. Review status: criteria provided, single submitter. Criteria: Ambry Variant Classification Scheme 2023. Collection method: clinical testing. Allele origin: germline.

Labcorp Genetics (formerly Invitae), Labcorp
Classification: Uncertain significance. Last evaluated: 2024-05-29. Review status: criteria provided, single submitter. Criteria: Invitae Variant Classification Sherloc (09022015). Collection method: clinical testing. Allele origin: germline.
Comment: This sequence change replaces tyrosine, which is neutral and polar, with cysteine, which is neutral and slightly polar, at codon 1012 of the RIMS1 protein (p.Tyr1012Cys). This variant is present in population databases (rs776618426, gnomAD 0.009%). This variant has not been reported in the literature in individuals affected with RIMS1-related conditions. Algorithms developed to predict the effect of missense changes on protein structure and function output the following: SIFT: "Not Available"; PolyPhen-2: "Benign"; Align-GVGD: "Not Available". The cysteine amino acid residue is found in multiple mammalian species, which suggests that this missense change does not adversely affect protein function. In summary, the available evidence is currently insufficient to determine the role of this variant in disease. Therefore, it has been classified as a Variant of Uncertain Significance.

NM_014989.7(RIMS1):c.3035A>G (p.Tyr1012Cys)

Gene: RIMS1 (regulating synaptic membrane exocytosis 1; plus strand). Cytogenetic location: 6q13.
Variant type: single nucleotide variant.
Coding change: c.3035A>G on transcript NM_014989.7 (MANE Select); coding-DNA position 3035, A replaced by G.
Protein change: p.Tyr1012Cys; replaces tyrosine 1012 with cysteine.
Molecular consequence: missense variant.
Genome position (GRCh38, 1-based): chr6:72,259,093, A>G. VCF-style: chr6-72259093-A-G. GRCh37 (hg19) VCF-style: chr6-72968796-A-G.
Other names: c.1454A>G, p.Tyr485Cys (NM_001168407.2, NM_001350415.2, NM_001350418.2 and 19 more transcripts); c.1457A>G, p.Tyr486Cys (NM_001168408.2, NM_001350414.2, NM_001350416.2 and 15 more transcripts); c.1214A>G, p.Tyr405Cys (NM_001168409.2, NM_001350464.2, NM_001350465.2 and 3 more transcripts); c.1412A>G, p.Tyr471Cys (NM_001168410.2, NM_001350470.2, NM_001350473.2 and 1 more transcripts); c.1385A>G, p.Tyr462Cys (NM_001350421.2, NM_001350437.2, NM_001350430.2 and 2 more transcripts); c.1388A>G, p.Tyr463Cys (NM_001350424.2, NM_001350459.2, NM_001350462.2 and 1 more transcripts); c.1211A>G, p.Tyr404Cys (NM_001350461.2, NM_001350463.2, NM_001350468.2); c.3035A>G (NM_014989.4); and 1 more; short protein forms Y1012C, Y404C, Y405C, Y462C, Y463C, Y470C, Y471C, Y485C.
Identifiers: ClinVar variation 3623301 (VCV003623301.3).